The following is an entry in ClinVar:

NM_002948.5(RPL15):c.173-50G>A

Genes: NKIRAS1 (NFKB inhibitor interacting Ras like 1; minus strand), RPL15 (ribosomal protein L15; plus strand). Cytogenetic location: 3p24.2.
Variant type: single nucleotide variant.
Coding change: c.173-50G>A on transcript NM_002948.5 (MANE Select); 50 bases into the intron before coding-DNA position 173, G replaced by A.
Molecular consequence: intron variant.
Genome position (GRCh38, 1-based): chr3:23,918,390, G>A. VCF-style: chr3-23918390-G-A. GRCh37 (hg19) VCF-style: chr3-23959881-G-A.
Other names: c.-139-6940C>T (NM_001377380.1); c.173-50G>A (NM_001253384.2, NM_001253379.2, NM_001253380.2 and 2 more transcripts).
Identifiers: ClinVar variation 1706800 (VCV001706800.2), dbSNP rs113395170, ClinGen allele CA2286453.

ClinVar aggregate classification (germline): Likely benign (1 of 4 stars; one submission).

Allele frequency attached by ClinVar (database versions not stated): 1000 Genomes Project 30x 0.00312; TOPMed 0.00969; gnomAD 0.01107; 1000 Genomes Project 0.00280; ExAC 0.01227; ESP Exome Variant Server 0.01399.
gnomAD v4.1: 25,979 of 1,595,466 alleles (1.6%); highest among the groups gnomAD compares: Non-Finnish European, 2%; 238 homozygotes.

Submission:

GeneDx
Classification: Likely benign. Last evaluated: 2018-11-10. Review status: criteria provided, single submitter. Criteria: GeneDx Variant Classification Process June 2021. Collection method: clinical testing. Allele origin: germline. Affected: yes.
Comment: See Variant Classification Assertion Criteria.